The following is an entry in ClinVar:

NM_000091.5(COL4A3):c.4791A>C (p.Ala1597=)

Genes: COL4A3 (collagen type IV alpha 3 chain; plus strand), MFF-DT (MFF divergent transcript; minus strand). Cytogenetic location: 2q36.3.
Variant type: single nucleotide variant.
Coding change: c.4791A>C on transcript NM_000091.5 (MANE Select); coding-DNA position 4791, A replaced by C.
Protein change: p.Ala1597=; no amino-acid change (alanine 1597 retained).
Molecular consequence: synonymous variant.
Genome position (GRCh38, 1-based): chr2:227,310,811, A>C. VCF-style: chr2-227310811-A-C. GRCh37 (hg19) VCF-style: chr2-228175527-A-C.
Identifiers: ClinVar variation 1521375 (VCV001521375.16), dbSNP rs765140857, ClinGen allele CA2147655.
Genomic context (GRCh38, chr2:227,310,811, plus strand): 5'-ATTCAGATTTTTAAAATTGTGGTAGTTCACAAGTGCAGGTTCTGAGGGCACCGGGCAAGC[A>C]CTGGCCTCCCCTGGCTCCTGCCTGGAAGAATTCCGAGCCAGCCCATTTCTAGAATGTCAT-3'
Protein context (NP_000082.2, residues 1587-1607): TSAGSEGTGQ[Ala1597=]LASPGSCLEE

ClinVar aggregate classification (germline): Likely benign. Review status: criteria provided, multiple submitters, no conflicts (2 of 4 stars). 2 submissions from 2 submitters: Likely benign (2). Last evaluated 2025-08-01.

Allele frequency attached by ClinVar (database versions not stated): gnomAD exomes below 0.00001 and 0.00001; ExAC 0.00001; TOPMed 0.00001.
gnomAD v4.1: 11 of 1,614,152 alleles (0.00068%); highest among the groups gnomAD compares: Non-Finnish European, 0.00085%; no homozygotes.

Submissions (2):

CeGaT Center for Human Genetics Tuebingen
Classification: Likely benign. Last evaluated: 2025-08-01. Review status: criteria provided, single submitter. Criteria: CeGaT Center For Human Genetics Tuebingen Variant Classification Criteria Version 2. Collection method: clinical testing. Allele origin: germline. Affected: yes. Observed: 1 variant allele.
Comment: COL4A3: BP4, BP7

Labcorp Genetics (formerly Invitae), Labcorp
Classification: Likely benign. Last evaluated: 2023-09-03. Review status: criteria provided, single submitter. Criteria: Invitae Variant Classification Sherloc (09022015). Collection method: clinical testing. Allele origin: germline.